The following is an entry in ClinVar:

ClinVar aggregate classification (germline): Uncertain significance. Review status: criteria provided, multiple submitters, no conflicts (2 of 4 stars). 2 submissions from 2 submitters: Uncertain significance (2). Last evaluated 2022-08-19.

Allele frequency attached by ClinVar (database versions not stated): ExAC 0.00001; gnomAD 0.00001; gnomAD exomes 0.00001 and 0.00002; TOPMed 0.00002.
gnomAD v4.1: 15 of 1,614,046 alleles (0.00093%); highest among the groups gnomAD compares: Middle Eastern, 0.049%; no homozygotes.

Submissions (2):

Labcorp Genetics (formerly Invitae), Labcorp
Classification: Uncertain significance. Last evaluated: 2022-08-19. Review status: criteria provided, single submitter. Criteria: Invitae Variant Classification Sherloc (09022015). Collection method: clinical testing. Allele origin: germline.
Comment: This sequence change replaces isoleucine, which is neutral and non-polar, with valine, which is neutral and non-polar, at codon 504 of the ERCC2 protein (p.Ile504Val). This variant is present in population databases (rs753317794, gnomAD 0.006%). This variant has not been reported in the literature in individuals affected with ERCC2-related conditions. ClinVar contains an entry for this variant (Variation ID: 808598). Algorithms developed to predict the effect of missense changes on protein structure and function (SIFT, PolyPhen-2, Align-GVGD) all suggest that this variant is likely to be tolerated. In summary, the available evidence is currently insufficient to determine the role of this variant in disease. Therefore, it has been classified as a Variant of Uncertain Significance.

CeGaT Center for Human Genetics Tuebingen
Classification: Uncertain significance. Last evaluated: 2019-05-01. Review status: criteria provided, single submitter. Criteria: CeGaT Center For Human Genetics Tuebingen Variant Classification Criteria Version 2. Collection method: clinical testing. Allele origin: germline. Affected: yes. Observed: 1 variant allele.

NM_000400.4(ERCC2):c.1510A>G (p.Ile504Val)

Gene: ERCC2 (ERCC excision repair 2, TFIIH core complex helicase subunit; minus strand). Cytogenetic location: 19q13.32.
Variant type: single nucleotide variant.
Coding change: c.1510A>G on transcript NM_000400.4 (MANE Select); coding-DNA position 1510, A replaced by G.
Protein change: p.Ile504Val; replaces isoleucine 504 with valine.
Molecular consequence: missense variant.
Genome position (GRCh38, 1-based): chr19:45,355,698, T>C on the plus strand (A>G on the coding strand, the complement: ERCC2 is on the minus strand). VCF-style: chr19-45355698-T-C. GRCh37 (hg19) VCF-style: chr19-45858956-T-C.
Other names: short protein forms I504V.
Identifiers: ClinVar variation 808598 (VCV000808598.45), dbSNP rs753317794, ClinGen allele CA9513243.
Genomic context (GRCh38, chr19:45,355,698, plus strand): 5'-CAGAAACCAGCCCCACTGGCAGCATACCAATATCCTCCCGGGTCTCAAATTTGGAGCTGA[T>C]GGCCACCTGGTCATTGCCACGGCCGATGATCTGGAGAGCAACAGAGGTCACGATAAGCGA-3'
Protein context (NP_000391.1, residues 494-514): IIGRGNDQVA[Ile504Val]SSKFETREDI